The following is an entry in ClinVar:

NM_001378454.1(ALMS1):c.10849T>G (p.Leu3617Val)

Gene: ALMS1 (ALMS1 centrosome and basal body associated protein; plus strand). Cytogenetic location: 2p13.1.
Variant type: single nucleotide variant.
Coding change: c.10849T>G on transcript NM_001378454.1 (MANE Select); coding-DNA position 10849, T replaced by G.
Protein change: p.Leu3617Val; replaces leucine 3617 with valine.
Molecular consequence: missense variant.
Genome position (GRCh38, 1-based): chr2:73,572,726, T>G. VCF-style: chr2-73572726-T-G. GRCh37 (hg19) VCF-style: chr2-73799853-T-G.
Other names: NC_000002.11:g.73799853T>G; c.10852T>G, p.Leu3618Val (NM_015120.4); short protein forms L3617V, L3618V.
Identifiers: ClinVar variation 4516352 (VCV004516352.2).

ClinVar aggregate classification (germline): Uncertain significance (1 of 4 stars; one submission).

gnomAD v4.1: 6 of 1,613,784 alleles (0.00037%); highest among the groups gnomAD compares: African/African-American, 0.0013%; no homozygotes.

Submissions (2):

GeneDx
Classification: Uncertain significance. Last evaluated: 2026-03-31. Review status: criteria provided, single submitter. Criteria: GeneDx Variant Classification Process June 2021. Collection method: clinical testing. Allele origin: germline.
Comment: Not observed at significant frequency in large population cohorts (gnomAD); In silico analysis suggests that this missense variant does not alter protein structure/function; Has not been previously published as pathogenic or benign to our knowledge

Dr. Peter K. Rogan Lab, Western University
No classification provided (evidence only). Condition: Clear cell carcinoma of kidney. Review status: no classification provided. Collection method: in vitro. Allele origin: not applicable. Functional consequence: skipped exon, retained intron. Not counted in ClinVar's aggregate classification.